The following is an entry in ClinVar:

ClinVar aggregate classification (germline): Likely pathogenic (1 of 4 stars; one submission).

Conditions:
Joubert syndrome. Also called: JOUBERT-BOLTSHAUSER SYNDROME; Familial aplasia of the vermis. Identifiers: Orphanet 475, MedGen C5979921, MONDO:0018772.
Meckel-Gruber syndrome. Also called: DYSENCEPHALIA SPLANCHNOCYSTICA; GRUBER SYNDROME; Dysencephalia splachnocystica. Identifiers: Orphanet 564, MedGen C0265215, MONDO:0018921.

Allele frequency attached by ClinVar (database versions not stated): gnomAD exomes below 0.00001; TOPMed below 0.00001; ExAC 0.00001; gnomAD 0.00001; ESP Exome Variant Server 0.00008.
gnomAD v4.1: 2 of 1,608,544 alleles (0.00012%); highest among the groups gnomAD compares: Non-Finnish European, 0.00017%; no homozygotes.

Submission:

Labcorp Genetics (formerly Invitae), Labcorp
Classification: Likely pathogenic for Joubert syndrome; Meckel-Gruber syndrome. Last evaluated: 2023-01-15. Review status: criteria provided, single submitter. Criteria: Invitae Variant Classification Sherloc (09022015). Collection method: clinical testing. Allele origin: germline.
Comment: In summary, the currently available evidence indicates that the variant is pathogenic, but additional data are needed to prove that conclusively. Therefore, this variant has been classified as Likely Pathogenic. Algorithms developed to predict the effect of sequence changes on RNA splicing suggest that this variant may disrupt the consensus splice site. This variant has not been reported in the literature in individuals affected with CC2D2A-related conditions. This variant is present in population databases (rs376561287, gnomAD 0.0009%). This sequence change affects a donor splice site in intron 31 of the CC2D2A gene. It is expected to disrupt RNA splicing. Variants that disrupt the donor or acceptor splice site typically lead to a loss of protein function (PMID: 16199547), and loss-of-function variants in CC2D2A are known to be pathogenic (PMID: 19777577).

Literature cited by the submitters: PubMed 16199547; PubMed 19777577.

NM_001378615.1(CC2D2A):c.3975+2T>G

Genes: CC2D2A (coiled-coil and C2 domain containing 2A; plus strand), FBXL5 (F-box and leucine rich repeat protein 5; minus strand). Cytogenetic location: 4p15.32.
Variant type: single nucleotide variant.
Coding change: c.3975+2T>G on transcript NM_001378615.1 (MANE Select); the canonical splice donor site of the intron after coding-DNA position 3975, T replaced by G.
Molecular consequence: splice donor variant.
Genome position (GRCh38, 1-based): chr4:15,580,173, T>G. VCF-style: chr4-15580173-T-G. GRCh37 (hg19) VCF-style: chr4-15581796-T-G.
Other names: c.3975+2T>G (NM_001080522.2); c.3828+2T>G (NM_001378617.1).
Identifiers: ClinVar variation 2927918 (VCV002927918.3), dbSNP rs376561287, ClinGen allele CA2864263.